The following is an entry in ClinVar:

NM_000157.4(GBA1):c.751T>C (p.Tyr251His)

Genes: GBA1 (glucosylceramidase beta 1; minus strand), LOC106627981 (GBA recombination region; plus strand). Cytogenetic location: 1q22.
Variant type: single nucleotide variant.
Coding change: c.751T>C on transcript NM_000157.4 (MANE Select); coding-DNA position 751, T replaced by C.
Protein change: p.Tyr251His; replaces tyrosine 251 with histidine.
Molecular consequence: missense variant.
Genome position (GRCh38, 1-based): chr1:155,238,144, A>G on the plus strand (T>C on the coding strand, the complement: GBA1 is on the minus strand). VCF-style: chr1-155238144-A-G. GRCh37 (hg19) VCF-style: chr1-155207935-A-G.
Other names: Y212H; c.751T>C, p.Tyr251His (NM_001005741.3, NM_001005742.3); c.490T>C, p.Tyr164His (NM_001171811.2); c.604T>C, p.Tyr202His (NM_001171812.2); c.751T>C (NM_001005741.2, NM_000157.3); short protein forms Y251H, Y202H, Y164H.
Identifiers: ClinVar variation 4309 (VCV000004309.7), dbSNP rs121908300, ClinGen allele CA253079.

ClinVar aggregate classification (germline): Conflicting classifications of pathogenicity. Review status: criteria provided, conflicting classifications (1 of 4 stars). 4 submissions from 4 submitters: Likely pathogenic (1); Uncertain significance (2). 1 of the submissions does not count toward it. Last evaluated 2025-10-31.

Conditions:
Gaucher disease. Also called: Acute cerebral Gaucher disease; Cerebroside lipidosis syndrome; Gaucher splenomegaly; Sphingolipidosis 1; Glucocerebrosidosis; Glucosylceramidase deficiency. Identifiers: Orphanet 355, MedGen C0017205, MONDO:0018150.
Gaucher disease type I (GD1). Also called: GD 1; GAUCHER DISEASE, NONCEREBRAL JUVENILE; GBA DEFICIENCY; GD I; GLUCOCEREBROSIDASE DEFICIENCY; ACID BETA-GLUCOSIDASE DEFICIENCY. Identifiers: Orphanet 355, Orphanet 77259, MedGen C1961835, MONDO:0009265, OMIM 230800.

Allele frequency attached by ClinVar (database versions not stated): gnomAD exomes below 0.00001; ExAC 0.00001.
gnomAD v4.1: 2 of 1,614,224 alleles (0.00012%); highest among the groups gnomAD compares: Non-Finnish European, 0.000085%; no homozygotes.

Submissions (4):

Natera, Inc.
Classification: Likely pathogenic for Gaucher disease. Last evaluated: 2025-10-31. Review status: criteria provided, single submitter. Criteria: Natera Variant Classification Schema (03/2026). Collection method: clinical testing. Allele origin: germline.
Comment: The c.751T>C variant in GBA1 is a missense variant predicted to cause substitution of tyrosine to histidine at amino acid 251. This variant is rare in the general population with a frequency below the threshold expected for the associated phenotype(s). This variant has been observed in one or more individuals affected with the associated recessive disease, as either homozygous or compound heterozygous with a second variant (PMID: 8432537, 23426826, 24685312). Additionally, this variant has been observed to segregate in affected family members (PMID: 24685312). Computational prediction algorithms indicate this variant is likely to affect gene or protein function. Given the available evidence, this variant is classified as Likely Pathogenic.

Broad Center for Mendelian Genomics, Broad Institute of MIT and Harvard
Classification: Uncertain significance for Gaucher disease. Last evaluated: 2020-01-13. Review status: criteria provided, single submitter. Criteria: ACMG Guidelines, 2015. Collection method: curation. Allele origin: germline. Inheritance: Autosomal recessive inheritance.
Comment: The p.Tyr251His variant in GBA has been reported in 3 individuals with Gaucher disease (PMID: 8432537, 24685312) and has been identified in 0.010% (1/10080) of Ashkenazi Jewish chromosomes by the Genome Aggregation Database (gnomAD; dbSNP rs121908300). Although this variant has been seen in the general population, its frequency is low enough to be consistent with a recessive carrier frequency. Computational prediction tools and conservation analyses suggest that this variant may impact the protein, though this information is not predictive enough to determine pathogenicity. The presence of this variant in combination with a reported pathogenic variant in 3 individuals with Gaucher disease increases the likelihood that the p.Tyr251His variant is pathogenic (VariationID: 4290; PMID: 8432537, 24685312). In summary, while there is some suspicion for a pathogenic role, the clinical significance of this variant is uncertain. ACMG/AMP Criteria applied: PM2, PM3, PP3 (Richards 2015).

Revvity Omics, Revvity
Classification: Uncertain significance. Last evaluated: 2019-03-28. Review status: criteria provided, single submitter. Criteria: ACMG Guidelines, 2015. Collection method: clinical testing. Allele origin: germline.

OMIM
Classification: Pathogenic for GAUCHER DISEASE, TYPE I. Last evaluated: 1993-06-15. Review status: no assertion criteria provided. Collection method: literature only. Allele origin: germline. Not counted in ClinVar's aggregate classification.

Literature cited by the submitters: PubMed 8432537 (cited by Natera, Inc. and Broad Center for Mendelian Genomics, Broad Institute of MIT and Harvard); PubMed 23426826 (cited by Natera, Inc.); PubMed 24685312 (cited by Natera, Inc. and Broad Center for Mendelian Genomics, Broad Institute of MIT and Harvard); PubMed 8516282 (cited by OMIM).